The following is an entry in ClinVar:

ClinVar aggregate classification (germline): Uncertain significance (1 of 4 stars; one submission).

Conditions:
Peroxisome biogenesis disorder, complementation group 7 (CG7). Also called: Peroxisome biogenesis disorder, complementation group B. Identifiers: MedGen C1864399.

Allele frequency attached by ClinVar (database versions not stated): gnomAD exomes below 0.00001.
gnomAD v4.1: 1 of 1,609,710 alleles (0.000062%); highest among the groups gnomAD compares: Non-Finnish European, 0.000085%; no homozygotes.

Submission:

Labcorp Genetics (formerly Invitae), Labcorp
Classification: Uncertain significance for Peroxisome biogenesis disorder, complementation group 7. Last evaluated: 2022-08-16. Review status: criteria provided, single submitter. Criteria: Invitae Variant Classification Sherloc (09022015). Collection method: clinical testing. Allele origin: germline.
Comment: This variant has not been reported in the literature in individuals affected with PEX10-related conditions. Algorithms developed to predict the effect of missense changes on protein structure and function output the following: SIFT: "Tolerated"; PolyPhen-2: "Benign"; Align-GVGD: "Class C0". The valine amino acid residue is found in multiple mammalian species, which suggests that this missense change does not adversely affect protein function. Algorithms developed to predict the effect of sequence changes on RNA splicing suggest that this variant may create or strengthen a splice site. This variant is not present in population databases (gnomAD no frequency). This sequence change replaces alanine, which is neutral and non-polar, with valine, which is neutral and non-polar, at codon 233 of the PEX10 protein (p.Ala233Val). In summary, the available evidence is currently insufficient to determine the role of this variant in disease. Therefore, it has been classified as a Variant of Uncertain Significance.

NM_002617.4(PEX10):c.638C>T (p.Ala213Val)

Gene: PEX10 (peroxisomal biogenesis factor 10; minus strand). Cytogenetic location: 1p36.32.
Variant type: single nucleotide variant.
Coding change: c.638C>T on transcript NM_002617.4 (MANE Select); coding-DNA position 638, C replaced by T.
Protein change: p.Ala213Val; replaces alanine 213 with valine.
Molecular consequence: missense variant. On other transcripts: non-coding transcript variant (1).
Genome position (GRCh38, 1-based): chr1:2,406,858, G>A on the plus strand (C>T on the coding strand, the complement: PEX10 is on the minus strand). VCF-style: chr1-2406858-G-A. GRCh37 (hg19) VCF-style: chr1-2338297-G-A.
Other names: c.695C>T, p.Ala232Val (NM_001374425.1); c.263C>T, p.Ala88Val (NM_001374426.1); c.206C>T, p.Ala69Val (NM_001374427.1); c.698C>T, p.Ala233Val (NM_153818.2); short protein forms A88V, A233V, A213V, A232V, A69V.
Identifiers: ClinVar variation 2047931 (VCV002047931.4), dbSNP rs760917162, ClinGen allele CA337985622.